The following is an entry in ClinVar:

NM_000138.5(FBN1):c.3490C>T (p.His1164Tyr)

Gene: FBN1 (fibrillin 1; minus strand). Cytogenetic location: 15q21.1.
Variant type: single nucleotide variant.
Coding change: c.3490C>T on transcript NM_000138.5 (MANE Select); coding-DNA position 3490, C replaced by T.
Protein change: p.His1164Tyr; replaces histidine 1164 with tyrosine.
Molecular consequence: missense variant.
Genome position (GRCh38, 1-based): chr15:48,487,174, G>A on the plus strand (C>T on the coding strand, the complement: FBN1 is on the minus strand). VCF-style: chr15-48487174-G-A. GRCh37 (hg19) VCF-style: chr15-48779371-G-A.
Other names: c.3490C>T, p.His1164Tyr (NM_001406716.1); short protein forms H1164Y.
Identifiers: ClinVar variation 4794809 (VCV004794809.1).

ClinVar aggregate classification (germline): Uncertain significance (1 of 4 stars; one submission).

Conditions:
Marfan syndrome (MFS). Also called: FBN1-Related Marfan Syndrome; MARFAN SYNDROME, TYPE I; Marfan syndrome type 1; Marfan's syndrome; Marfan syndrome, classic. Identifiers: Orphanet 284963, Orphanet 558, MedGen C0024796, MONDO:0007947, OMIM 154700.
Familial thoracic aortic aneurysm and aortic dissection (TAAD). Also called: Thoracic aortic aneurysms and dissections. Identifiers: Orphanet 91387, MedGen C4707243, MONDO:0019625.

gnomAD v4.1: 2 of 1,614,182 alleles (0.00012%); highest among the groups gnomAD compares: Middle Eastern, 0.033%; no homozygotes.

Submission:

Labcorp Genetics (formerly Invitae), Labcorp
Classification: Uncertain significance for Marfan syndrome; Familial thoracic aortic aneurysm and aortic dissection. Last evaluated: 2025-11-11. Review status: criteria provided, single submitter. Criteria: Invitae Variant Classification Sherloc (09022015). Collection method: clinical testing. Allele origin: germline.
Comment: This sequence change replaces histidine, which is basic and polar, with tyrosine, which is neutral and polar, at codon 1164 of the FBN1 protein (p.His1164Tyr). This variant is not present in population databases (gnomAD no frequency). This variant has not been reported in the literature in individuals affected with FBN1-related conditions. Invitae Evidence Modeling of protein sequence and biophysical properties (such as structural, functional, and spatial information, amino acid conservation, physicochemical variation, residue mobility, and thermodynamic stability) indicates that this missense variant is not expected to disrupt FBN1 protein function with a negative predictive value of 95%. In summary, the available evidence is currently insufficient to determine the role of this variant in disease. Therefore, it has been classified as a Variant of Uncertain Significance.